The following is an entry in ClinVar:

ClinVar aggregate classification (germline): Uncertain significance. Review status: criteria provided, multiple submitters, no conflicts (2 of 4 stars). 2 submissions from 2 submitters: Uncertain significance (2). Last evaluated 2025-04-04.

Conditions:
Lymphatic malformation 9. Identifiers: MedGen C5543365, MONDO:0030270, OMIM 619319.

Allele frequency attached by ClinVar (database versions not stated): ExAC 0.00003; gnomAD 0.00003; TOPMed 0.00003; gnomAD exomes 0.00004; ESP Exome Variant Server 0.00008.
gnomAD v4.1: 63 of 1,613,962 alleles (0.0039%); highest among the groups gnomAD compares: Non-Finnish European, 0.0044%; no homozygotes.

Submissions (2):

Ambry Genetics
Classification: Uncertain significance. Last evaluated: 2025-04-04. Review status: criteria provided, single submitter. Criteria: Ambry Variant Classification Scheme 2023. Collection method: clinical testing. Allele origin: germline.

Clinical Genomics Laboratory, Washington University in St. Louis
Classification: Uncertain significance for Lymphatic malformation 9. Last evaluated: 2023-10-27. Review status: criteria provided, single submitter. Criteria: ACMG Guidelines, 2015. Collection method: clinical testing. Allele origin: germline.
Comment: The CELSR1 c.4270G>A (p.Gly1424Ser) variant was identified at near heterozygous allelic fraction of 52%, a frequency which may be consistent with it being of germline origin. To our knowledge, this variant has not been reported in the medical literature and is only observed on 5/152,164 alleles in the general population (gnomAD v.3.1.2), indicating it is not a common variant. Computational predictors suggest that the variant is damaging evidence that may correlate with impact on CELSR1 function. Due to limited information, and based on an internally developed protocol informed by the ACMG/AMP guidelines for variant interpretation (Richards S et al., PMID: 25741868), this variant is classified as being of uncertain significance at this time.

NM_001378328.1(CELSR1):c.4270G>A (p.Gly1424Ser)

Gene: CELSR1 (cadherin EGF LAG seven-pass G-type receptor 1; minus strand). Cytogenetic location: 22q13.31.
Variant type: single nucleotide variant.
Coding change: c.4270G>A on transcript NM_001378328.1 (MANE Select); coding-DNA position 4270, G replaced by A.
Protein change: p.Gly1424Ser; replaces glycine 1424 with serine.
Molecular consequence: missense variant.
Genome position (GRCh38, 1-based): chr22:46,439,325, C>T on the plus strand (G>A on the coding strand, the complement: CELSR1 is on the minus strand). VCF-style: chr22-46439325-C-T. GRCh37 (hg19) VCF-style: chr22-46835222-C-T.
Other names: c.4270G>A, p.Gly1424Ser (NM_014246.4); c.4270G>A (NM_014246.1); short protein forms G1424S.
Identifiers: ClinVar variation 2672173 (VCV002672173.2), dbSNP rs374940568, ClinGen allele CA10294729.